The following is an entry in ClinVar:

ClinVar aggregate classification (germline): Uncertain significance (1 of 4 stars; one submission).

Conditions:
DOCK2 deficiency. Also called: Immunodeficiency 40. Identifiers: Orphanet 447737, MedGen C4225328, MONDO:0014637, OMIM 616433.

Allele frequency attached by ClinVar (database versions not stated): ExAC 0.00001; gnomAD exomes 0.00001.
gnomAD v4.1: 3 of 1,613,698 alleles (0.00019%); highest among the groups gnomAD compares: Admixed American, 0.0033%; no homozygotes.

Submission:

Labcorp Genetics (formerly Invitae), Labcorp
Classification: Uncertain significance for DOCK2 deficiency. Last evaluated: 2019-03-14. Review status: criteria provided, single submitter. Criteria: Invitae Variant Classification Sherloc (09022015). Collection method: clinical testing. Allele origin: germline.
Comment: Algorithms developed to predict the effect of sequence changes on RNA splicing suggest that this variant may create or strengthen a splice site, but this prediction has not been confirmed by published transcriptional studies. Algorithms developed to predict the effect of missense changes on protein structure and function are either unavailable or do not agree on the potential impact of this missense change (SIFT: "Tolerated"; PolyPhen-2: "Probably Damaging"; Align-GVGD: "Class C0"). This variant has not been reported in the literature in individuals with DOCK2-related conditions. This variant is present in population databases (rs748998563, ExAC 0.009%). This sequence change replaces serine with arginine at codon 595 of the DOCK2 protein (p.Ser595Arg). The serine residue is moderately conserved and there is a moderate physicochemical difference between serine and arginine. In summary, the available evidence is currently insufficient to determine the role of this variant in disease. Therefore, it has been classified as a Variant of Uncertain Significance.

NM_004946.3(DOCK2):c.1785C>G (p.Ser595Arg)

Gene: DOCK2 (dedicator of cytokinesis 2; plus strand). Cytogenetic location: 5q35.1.
Variant type: single nucleotide variant.
Coding change: c.1785C>G on transcript NM_004946.3 (MANE Select); coding-DNA position 1785, C replaced by G.
Protein change: p.Ser595Arg; replaces serine 595 with arginine.
Molecular consequence: missense variant. On other transcripts: non-coding transcript variant (1).
Genome position (GRCh38, 1-based): chr5:169,714,153, C>G. VCF-style: chr5-169714153-C-G. GRCh37 (hg19) VCF-style: chr5-169141157-C-G.
Other names: short protein forms S595R.
Identifiers: ClinVar variation 836105 (VCV000836105.9), dbSNP rs748998563, ClinGen allele CA3553587.